The following is an entry in ClinVar:

ClinVar aggregate classification (germline): Uncertain significance. Review status: criteria provided, multiple submitters, no conflicts (2 of 4 stars). 4 submissions from 4 submitters: Uncertain significance (4). Last evaluated 2024-02-12.

Conditions:
Inborn genetic diseases. Identifiers: MedGen C0950123, MeSH D030342.
Succinate-semialdehyde dehydrogenase deficiency (SSADHD). Also called: Succinic Semialdehyde Dehydrogenase Deficiency; SSADH DEFICIENCY; GABA METABOLIC DEFECT; 4-HYDROXYBUTYRIC ACIDURIA. Identifiers: Orphanet 22, MedGen C0268631, MONDO:0010083, OMIM 271980.

Allele frequency attached by ClinVar (database versions not stated): ExAC 0.00002; gnomAD exomes 0.00003 and 0.00004; gnomAD 0.00014; 1000 Genomes Project 30x 0.00016; 1000 Genomes Project 0.00020.
gnomAD v4.1: 65 of 1,607,800 alleles (0.004%); highest among the groups gnomAD compares: African/African-American, 0.03%; no homozygotes.

Submissions (4):

Blueprint Genetics
Classification: Uncertain significance. Last evaluated: 2024-02-12. Review status: criteria provided, single submitter. Criteria: ACMG Guidelines, 2015. Collection method: clinical testing. Allele origin: germline.

GeneDx
Classification: Uncertain significance. Last evaluated: 2023-01-05. Review status: criteria provided, single submitter. Criteria: GeneDx Variant Classification Process June 2021. Collection method: clinical testing. Allele origin: germline. Affected: yes.
Comment: In silico analysis supports that this missense variant has a deleterious effect on protein structure/function; Has not been previously published as pathogenic or benign to our knowledge

Labcorp Genetics (formerly Invitae), Labcorp
Classification: Uncertain significance for Succinate-semialdehyde dehydrogenase deficiency. Last evaluated: 2022-05-11. Review status: criteria provided, single submitter. Criteria: Invitae Variant Classification Sherloc (09022015). Collection method: clinical testing. Allele origin: germline.
Comment: This sequence change replaces alanine, which is neutral and non-polar, with valine, which is neutral and non-polar, at codon 388 of the ALDH5A1 protein (p.Ala388Val). This variant is present in population databases (rs536355368, gnomAD 0.03%). This variant has not been reported in the literature in individuals affected with ALDH5A1-related conditions. ClinVar contains an entry for this variant (Variation ID: 459973). Advanced modeling of protein sequence and biophysical properties (such as structural, functional, and spatial information, amino acid conservation, physicochemical variation, residue mobility, and thermodynamic stability) performed at Invitae indicates that this missense variant is expected to disrupt ALDH5A1 protein function. In summary, the available evidence is currently insufficient to determine the role of this variant in disease. Therefore, it has been classified as a Variant of Uncertain Significance.

Ambry Genetics
Classification: Uncertain significance for Inborn genetic diseases. Last evaluated: 2021-08-10. Review status: criteria provided, single submitter. Criteria: Ambry Variant Classification Scheme 2023. Collection method: clinical testing. Allele origin: germline.

NM_001080.3(ALDH5A1):c.1163C>T (p.Ala388Val)

Gene: ALDH5A1 (aldehyde dehydrogenase 5 family member A1; plus strand). Cytogenetic location: 6p22.3.
Variant type: single nucleotide variant.
Coding change: c.1163C>T on transcript NM_001080.3 (MANE Select); coding-DNA position 1163, C replaced by T.
Protein change: p.Ala388Val; replaces alanine 388 with valine.
Molecular consequence: missense variant.
Genome position (GRCh38, 1-based): chr6:24,522,915, C>T. VCF-style: chr6-24522915-C-T. GRCh37 (hg19) VCF-style: chr6-24523143-C-T.
Other names: c.1019C>T, p.Ala340Val (NM_001368954.1); c.1202C>T, p.Ala401Val (NM_170740.1); short protein forms A388V, A401V, A340V.
Identifiers: ClinVar variation 459973 (VCV000459973.12), dbSNP rs536355368, ClinGen allele CA3656857.
Genomic context (GRCh38, chr6:24,522,915, plus strand): 5'-TGCGCGTAGGTAATGGATTTGAGGAAGGAACTACTCAGGGCCCATTAATTAATGAAAAAG[C>T]GGTAGAAAAGGTAAGTATATTGTATTATTTGTGAAAGTAAATTTCATGGTTTCAATATGA-3'
Protein context (NP_001071.1, residues 378-398): TTQGPLINEK[Ala388Val]VEKVEKQVND